The following is an entry in ClinVar:

NM_203290.4(POLR1C):c.634A>G (p.Met212Val)

Gene: POLR1C (RNA polymerase I and III subunit C; plus strand). Cytogenetic location: 6p21.1.
Variant type: single nucleotide variant.
Coding change: c.634A>G on transcript NM_203290.4 (MANE Select); coding-DNA position 634, A replaced by G.
Protein change: p.Met212Val; replaces methionine 212 with valine.
Molecular consequence: missense variant.
Genome position (GRCh38, 1-based): chr6:43,520,406, A>G. VCF-style: chr6-43520406-A-G. GRCh37 (hg19) VCF-style: chr6-43488144-A-G.
Other names: p.Met212Val; c.634A>G, p.Met212Val (NM_001318876.2, NM_001363658.2); short protein forms M212V.
Identifiers: ClinVar variation 356878 (VCV000356878.19), dbSNP rs79222964, ClinGen allele CA3825511.

ClinVar aggregate classification (germline): Benign. Review status: criteria provided, multiple submitters, no conflicts (2 of 4 stars). 7 submissions from 7 submitters: Benign (5). 2 of the submissions do not count toward it. Last evaluated 2026-01-28.

Conditions:
Treacher Collins syndrome 3 (TCS3). Also called: POLR1C-Related Treacher Collins Syndrome. Identifiers: Orphanet 861, MedGen C1855433, MONDO:0009558, OMIM 248390.

Allele frequency attached by ClinVar (database versions not stated): ESP Exome Variant Server 0.00046; gnomAD exomes 0.00352 and 0.00886; TOPMed 0.00388; gnomAD 0.00431 and 0.00527; ExAC 0.00856; 1000 Genomes Project 30x 0.01640; 1000 Genomes Project 0.01837.
gnomAD v4.1: 6,241 of 1,613,766 alleles (0.39%); highest among the groups gnomAD compares: East Asian, 8.3%; 182 homozygotes.

Submissions (7):

Labcorp Genetics (formerly Invitae), Labcorp
Classification: Benign. Last evaluated: 2026-01-28. Review status: criteria provided, single submitter. Criteria: Invitae Variant Classification Sherloc (09022015). Collection method: clinical testing. Allele origin: germline.

Mayo Clinic Laboratories, Mayo Clinic
Classification: Benign. Last evaluated: 2023-03-10. Review status: criteria provided, single submitter. Criteria: ACMG Guidelines, 2015. Collection method: clinical testing. Allele origin: germline. Observed: 6 variant alleles.

Athena Diagnostics
Classification: Benign. Last evaluated: 2019-10-29. Review status: criteria provided, single submitter. Criteria: Athena Diagnostics Criteria. Collection method: clinical testing. Allele origin: unknown.

GeneDx
Classification: Benign. Last evaluated: 2018-07-14. Review status: criteria provided, single submitter. Criteria: GeneDx Variant Classification Process June 2021. Collection method: clinical testing. Allele origin: germline. Affected: yes.

Illumina Laboratory Services, Illumina
Classification: Benign for Treacher Collins syndrome 3. Last evaluated: 2018-01-13. Review status: criteria provided, single submitter. Criteria: ICSL Variant Classification Criteria 13 December 2019. Collection method: clinical testing. Allele origin: germline.
Comment: This variant was observed in the ICSL laboratory as part of a predisposition screen in an ostensibly healthy population. It had not been previously curated by ICSL or reported in the Human Gene Mutation Database (HGMD: prior to June 1st, 2018), and was therefore a candidate for classification through an automated scoring system. Utilizing variant allele frequency, disease prevalence and penetrance estimates, and inheritance mode, an automated score was calculated to assess if this variant is too frequent to cause the disease. Based on the score and internal cut-off values, a variant classified as benign is not then subjected to further curation. The score for this variant resulted in a classification of benign for this disease.

Genome Diagnostics Laboratory, University Medical Center Utrecht
Classification: Benign. Review status: no assertion criteria provided. Collection method: clinical testing. Allele origin: germline. Affected: yes. Study: VKGL Data-share Consensus. Not counted in ClinVar's aggregate classification.

Laboratory of Diagnostic Genome Analysis, Leiden University Medical Center (LUMC)
Classification: Likely benign. Review status: no assertion criteria provided. Collection method: clinical testing. Allele origin: germline. Affected: yes. Study: VKGL Data-share Consensus. Not counted in ClinVar's aggregate classification.